The following is an entry in ClinVar:

ClinVar aggregate classification (germline): Uncertain significance (1 of 4 stars; one submission).

Allele frequency attached by ClinVar (database versions not stated): 1000 Genomes Project 30x 0.00016.
gnomAD v4.1: 178 of 700,368 alleles (0.025%); highest among the groups gnomAD compares: South Asian, 0.047%; no homozygotes.

Submission:

Labcorp Genetics (formerly Invitae), Labcorp
Classification: Uncertain significance. Last evaluated: 2022-07-15. Review status: criteria provided, single submitter. Criteria: Invitae Variant Classification Sherloc (09022015). Collection method: clinical testing. Allele origin: germline.
Comment: This variant occurs in the RNU4ATAC gene, which encodes an RNA molecule that does not result in a protein product. This variant is present in population databases (rs367638364, gnomAD 0.06%). This variant has not been reported in the literature in individuals affected with RNU4ATAC-related conditions. ClinVar contains an entry for this variant (Variation ID: 1502690). Experimental studies and prediction algorithms are not available or were not evaluated, and the functional significance of this variant is currently unknown. In summary, the available evidence is currently insufficient to determine the role of this variant in disease. Therefore, it has been classified as a Variant of Uncertain Significance.

NC_000002.12:g.121530972G>C

Genes: CLASP1 (cytoplasmic linker associated protein 1; minus strand), CLASP1-AS1 (CLASP1 antisense RNA 1; plus strand), RNU4ATAC (RNA, U4atac small nuclear; plus strand). Cytogenetic location: 2q14.2.
Variant type: single nucleotide variant.
Molecular consequence: intron variant (on NM_001395891.1).
Genome position: GRCh38 VCF-style: chr2-121530972-G-C. GRCh37 (hg19) VCF-style: chr2-122288548-G-C.
Other names: c.196-647C>G (NM_001142274.2, NM_015282.3, NM_001378003.1 and 5 more transcripts).
Identifiers: ClinVar variation 1502690 (VCV001502690.3), dbSNP rs367638364, ClinGen allele CA1854732.